The following is an entry in ClinVar:

NM_006269.2(RP1):c.6286T>A (p.Phe2096Ile)

Gene: RP1 (RP1 axonemal microtubule associated; plus strand). Cytogenetic location: 8q12.1.
Variant type: single nucleotide variant.
Coding change: c.6286T>A on transcript NM_006269.2 (MANE Select); coding-DNA position 6286, T replaced by A.
Protein change: p.Phe2096Ile; replaces phenylalanine 2096 with isoleucine.
Molecular consequence: missense variant. On other transcripts: intron variant (1).
Genome position (GRCh38, 1-based): chr8:54,630,168, T>A. VCF-style: chr8-54630168-T-A. GRCh37 (hg19) VCF-style: chr8-55542728-T-A.
Other names: c.787+7880T>A (NM_001375654.1); short protein forms F2096I.
Identifiers: ClinVar variation 1007617 (VCV001007617.11), dbSNP rs773570888, ClinGen allele CA4752220.

ClinVar aggregate classification (germline): Uncertain significance. Review status: criteria provided, multiple submitters, no conflicts (2 of 4 stars). 3 submissions from 3 submitters: Uncertain significance (3). Last evaluated 2022-05-25.

Allele frequency attached by ClinVar (database versions not stated): gnomAD exomes below 0.00001; ExAC 0.00001; gnomAD 0.00001.
gnomAD v4.1: 4 of 1,613,704 alleles (0.00025%); highest among the groups gnomAD compares: African/African-American, 0.004%; no homozygotes.

Submissions (3):

Labcorp Genetics (formerly Invitae), Labcorp
Classification: Uncertain significance. Last evaluated: 2022-05-25. Review status: criteria provided, single submitter. Criteria: Invitae Variant Classification Sherloc (09022015). Collection method: clinical testing. Allele origin: germline.
Comment: This sequence change replaces phenylalanine, which is neutral and non-polar, with isoleucine, which is neutral and non-polar, at codon 2096 of the RP1 protein (p.Phe2096Ile). This variant is present in population databases (rs773570888, gnomAD 0.007%). This variant has not been reported in the literature in individuals affected with RP1-related conditions. ClinVar contains an entry for this variant (Variation ID: 1007617). Algorithms developed to predict the effect of missense changes on protein structure and function (SIFT, PolyPhen-2, Align-GVGD) all suggest that this variant is likely to be tolerated. In summary, the available evidence is currently insufficient to determine the role of this variant in disease. Therefore, it has been classified as a Variant of Uncertain Significance.

Blueprint Genetics
Classification: Uncertain significance. Last evaluated: 2021-11-11. Review status: criteria provided, single submitter. Criteria: ACMG Guidelines, 2015. Collection method: clinical testing. Allele origin: germline.

GeneDx
Classification: Uncertain significance. Last evaluated: 2020-02-14. Review status: criteria provided, single submitter. Criteria: GeneDx Variant Classification Process June 2021. Collection method: clinical testing. Allele origin: germline. Affected: yes.
Comment: Not observed at a significant frequency in large population cohorts (Lek et al., 2016); In silico analysis supports that this missense variant does not alter protein structure/function; Has not been previously published as pathogenic or benign to our knowledge